The following is an entry in ClinVar:

NM_001384900.1(SEMA3D):c.151+8T>C

Gene: SEMA3D (semaphorin 3D; minus strand). Cytogenetic location: 7q21.11.
Variant type: single nucleotide variant.
Coding change: c.151+8T>C on transcript NM_001384900.1 (MANE Select); 8 bases into the intron after coding-DNA position 151, T replaced by C.
Molecular consequence: intron variant.
Genome position (GRCh38, 1-based): chr7:85,121,733, A>G on the plus strand (T>C on the coding strand, the complement: SEMA3D is on the minus strand). VCF-style: chr7-85121733-A-G. GRCh37 (hg19) VCF-style: chr7-84751049-A-G.
Other names: c.151+8T>C (NM_001384901.1, NM_001384903.1, NM_001384902.1 and 1 more transcripts).
Identifiers: ClinVar variation 716081 (VCV000716081.5), dbSNP rs78322562, ClinGen allele CA4323879.

ClinVar aggregate classification (germline): Benign. Review status: criteria provided, single submitter (1 of 4 stars). 2 submissions from 2 submitters: Benign (1). 1 of the submissions does not count toward it. Last evaluated 2017-09-17.

Conditions:
SEMA3D-related disorder. Also called: SEMA3D-related condition.

Allele frequency attached by ClinVar (database versions not stated): gnomAD exomes 0.00010 and 0.00027; ExAC 0.00037; ESP Exome Variant Server 0.00085; gnomAD 0.00111 and 0.00113; TOPMed 0.00114; 1000 Genomes Project 0.00120; 1000 Genomes Project 30x 0.00141.
gnomAD v4.1: 318 of 1,470,158 alleles (0.022%); highest among the groups gnomAD compares: African/African-American, 0.35%; no homozygotes.

Submissions (2):

Labcorp Genetics (formerly Invitae), Labcorp
Classification: Benign. Last evaluated: 2017-09-17. Review status: criteria provided, single submitter. Criteria: Invitae Variant Classification Sherloc (09022015). Collection method: clinical testing. Allele origin: germline.

PreventionGenetics, part of Exact Sciences
Classification: Likely benign for SEMA3D-related condition. Last evaluated: 2019-05-20. Review status: no assertion criteria provided. Collection method: clinical testing. Allele origin: germline. Not counted in ClinVar's aggregate classification.
Comment: This variant is classified as likely benign based on ACMG/AMP sequence variant interpretation guidelines (Richards et al. 2015 PMID: 25741868, with internal and published modifications).